The following is an entry in ClinVar:

NM_000059.4(BRCA2):c.2783T>A (p.Val928Asp)

Gene: BRCA2 (BRCA2 DNA repair associated; plus strand). Cytogenetic location: 13q13.1.
Variant type: single nucleotide variant.
Coding change: c.2783T>A on transcript NM_000059.4 (MANE Select); coding-DNA position 2783, T replaced by A.
Protein change: p.Val928Asp; replaces valine 928 with aspartic acid.
Molecular consequence: missense variant. On other transcripts: non-coding transcript variant (1), intron variant (2).
Genome position (GRCh38, 1-based): chr13:32,337,138, T>A. VCF-style: chr13-32337138-T-A. GRCh37 (hg19) VCF-style: chr13-32911275-T-A.
Other names: c.2783T>A, p.Val928Asp (NM_001406719.1, NM_001406720.1, NM_001432077.1); c.1909+3751T>A (NM_001406721.1); c.424+6108T>A (NM_001406722.1); short protein forms V928D.
Identifiers: ClinVar variation 3572348 (VCV003572348.1).

ClinVar aggregate classification (germline): Uncertain significance (1 of 4 stars; one submission).

Submission:

Quest Diagnostics Nichols Institute San Juan Capistrano
Classification: Uncertain significance. Last evaluated: 2024-08-26. Review status: criteria provided, single submitter. Criteria: Quest Diagnostics criteria. Collection method: clinical testing. Allele origin: unknown.
Comment: The BRCA2 c.2783T>A (p.Val928Asp) variant has been reported in the published literature in an individual with pancreatic cancer (PMID: 37951914 (2023)) and in an individual with prostate cancer (PMID: 36922933 (2022)). This variant has not been reported in large, multi-ethnic general populations (Genome Aggregation Database). Analysis of this variant using bioinformatics tools for the prediction of the effect of amino acid changes on protein structure and function yielded conflicting predictions that this variant is benign or damaging. Based on the available information, we are unable to determine the clinical significance of this variant.

Literature cited by the submitters: PubMed 37951914; PubMed 36922933.